The following is an entry in ClinVar:

NM_003070.5(SMARCA2):c.2087G>C (p.Arg696Thr)

Gene: SMARCA2 (SWI/SNF related BAF chromatin remodeling complex subunit ATPase 2; plus strand). Cytogenetic location: 9p24.3.
Variant type: single nucleotide variant.
Coding change: c.2087G>C on transcript NM_003070.5 (MANE Select); coding-DNA position 2087, G replaced by C.
Protein change: p.Arg696Thr; replaces arginine 696 with threonine.
Molecular consequence: missense variant.
Genome position (GRCh38, 1-based): chr9:2,077,679, G>C. VCF-style: chr9-2077679-G-C. GRCh37 (hg19) VCF-style: chr9-2077679-G-C.
Other names: c.2087G>C, p.Arg696Thr (NM_001289396.2, NM_001289397.2, NM_139045.4); c.2087G>C (NM_003070.4); short protein forms R696T.
Identifiers: ClinVar variation 2256675 (VCV002256675.3), dbSNP rs1044696249, ClinGen allele CA187930142.

ClinVar aggregate classification (germline): Likely benign. Review status: criteria provided, multiple submitters, no conflicts (2 of 4 stars). 2 submissions from 2 submitters: Likely benign (2). Last evaluated 2024-10-18.

Conditions:
SMARCA2-related disorder. Also called: SMARCA2-related condition.
Inborn genetic diseases. Identifiers: MedGen C0950123, MeSH D030342.

Allele frequency attached by ClinVar (database versions not stated): gnomAD exomes 0.00001; gnomAD 0.00002; TOPMed 0.00004.
gnomAD v4.1: 12 of 1,613,908 alleles (0.00074%); highest among the groups gnomAD compares: African/African-American, 0.012%; no homozygotes.

Submissions (2):

PreventionGenetics, part of Exact Sciences
Classification: Likely benign for SMARCA2-related condition. Last evaluated: 2024-10-18. Review status: criteria provided, single submitter. Criteria: ACMG Guidelines, 2015. Collection method: clinical testing. Allele origin: germline.
Comment: This variant is classified as likely benign based on ACMG/AMP sequence variant interpretation guidelines (Richards et al. 2015 PMID: 25741868, with internal and published modifications).

Ambry Genetics
Classification: Likely benign for Inborn genetic diseases. Last evaluated: 2021-10-22. Review status: criteria provided, single submitter. Criteria: Ambry Variant Classification Scheme 2023. Collection method: clinical testing. Allele origin: germline.